The following is an entry in ClinVar:

NM_170606.3(KMT2C):c.4507+5A>G

Gene: KMT2C (lysine methyltransferase 2C; minus strand). Cytogenetic location: 7q36.1.
Variant type: single nucleotide variant.
Coding change: c.4507+5A>G on transcript NM_170606.3 (MANE Select); 5 bases into the intron after coding-DNA position 4507, A replaced by G.
Molecular consequence: intron variant.
Genome position (GRCh38, 1-based): chr7:152,194,435, T>C on the plus strand (A>G on the coding strand, the complement: KMT2C is on the minus strand). VCF-style: chr7-152194435-T-C. GRCh37 (hg19) VCF-style: chr7-151891520-T-C.
Identifiers: ClinVar variation 1685547 (VCV001685547.4), dbSNP rs2129129571, ClinGen allele CA2573141885.
Genomic context (GRCh38, chr7:152,194,435, plus strand): 5'-AAATCTTTAAAAATCATATTTACTCAGGTCTTTTAGAAAGCCTAGATGTAGGGCAAATAT[T>C]TTACCATCTGTGACCATTTTGTCTAGTTCAGGACTGAGGATCCCATCTAGCTGTTCTTCA-3'

ClinVar aggregate classification (germline): Conflicting classifications of pathogenicity. Review status: criteria provided, conflicting classifications (1 of 4 stars). 2 submissions from 2 submitters: Uncertain significance (1); Benign (1). Last evaluated 2023-07-22.

Allele frequency attached by ClinVar (database versions not stated): gnomAD exomes below 0.00001.
gnomAD v4.1: 1 of 1,613,136 alleles (0.000062%); highest among the groups gnomAD compares: Non-Finnish European, 0.000085%; no homozygotes.

Submissions (2):

Labcorp Genetics (formerly Invitae), Labcorp
Classification: Uncertain significance. Last evaluated: 2023-07-22. Review status: criteria provided, single submitter. Criteria: Invitae Variant Classification Sherloc (09022015). Collection method: clinical testing. Allele origin: germline.
Comment: ClinVar contains an entry for this variant (Variation ID: 1685547). Variants that disrupt the consensus splice site are a relatively common cause of aberrant splicing (PMID: 17576681, 9536098). Algorithms developed to predict the effect of sequence changes on RNA splicing suggest that this variant may disrupt the consensus splice site. In summary, the available evidence is currently insufficient to determine the role of this variant in disease. Therefore, it has been classified as a Variant of Uncertain Significance. This variant is not present in population databases (gnomAD no frequency). This sequence change falls in intron 29 of the KMT2C gene. It does not directly change the encoded amino acid sequence of the KMT2C protein. It affects a nucleotide within the consensus splice site. This variant has not been reported in the literature in individuals affected with KMT2C-related conditions.

Mendelics
Classification: Benign. Last evaluated: 2022-05-04. Review status: criteria provided, single submitter. Criteria: Mendelics Assertion Criteria 2019. Collection method: clinical testing. Allele origin: germline.

Literature cited by the submitters: PubMed 17576681 (cited by Labcorp Genetics (formerly Invitae), Labcorp); PubMed 9536098 (cited by Labcorp Genetics (formerly Invitae), Labcorp).